The following is an entry in ClinVar:

ClinVar aggregate classification (germline): Uncertain significance (1 of 4 stars; one submission).

Conditions:
Charcot-Marie-Tooth disease type 2. Also called: Charcot-Marie-Tooth type 2. Identifiers: Orphanet 64746, MedGen C0270914, MONDO:0018993.

Submission:

Labcorp Genetics (formerly Invitae), Labcorp
Classification: Uncertain significance for Charcot-Marie-Tooth disease type 2. Last evaluated: 2025-04-18. Review status: criteria provided, single submitter. Criteria: Invitae Variant Classification Sherloc (09022015). Collection method: clinical testing. Allele origin: germline.
Comment: This sequence change replaces alanine, which is neutral and non-polar, with valine, which is neutral and non-polar, at codon 665 of the MED25 protein (p.Ala665Val). This variant is not present in population databases (gnomAD no frequency). This variant has not been reported in the literature in individuals affected with MED25-related conditions. An algorithm developed to predict the effect of missense changes on protein structure and function (PolyPhen-2) suggests that this variant is likely to be disruptive. In summary, the available evidence is currently insufficient to determine the role of this variant in disease. Therefore, it has been classified as a Variant of Uncertain Significance.

NM_030973.4(MED25):c.1994C>T (p.Ala665Val)

Gene: MED25 (mediator complex subunit 25; plus strand). Cytogenetic location: 19q13.33.
Variant type: single nucleotide variant.
Coding change: c.1994C>T on transcript NM_030973.4 (MANE Select); coding-DNA position 1994, C replaced by T.
Protein change: p.Ala665Val; replaces alanine 665 with valine.
Molecular consequence: missense variant.
Genome position (GRCh38, 1-based): chr19:49,836,254, C>T. VCF-style: chr19-49836254-C-T. GRCh37 (hg19) VCF-style: chr19-50339511-C-T.
Other names: c.1994C>T, p.Ala665Val (NM_001378355.1); short protein forms A665V.
Identifiers: ClinVar variation 4778123 (VCV004778123.1).